The following is an entry in ClinVar:

NM_020207.7(ERCC6L2):c.955G>A (p.Val319Met)

Gene: ERCC6L2 (ERCC excision repair 6 like 2; plus strand). Cytogenetic location: 9q22.32.
Variant type: single nucleotide variant.
Coding change: c.955G>A on transcript NM_020207.7 (MANE Select); coding-DNA position 955, G replaced by A.
Protein change: p.Val319Met; replaces valine 319 with methionine.
Molecular consequence: missense variant. On other transcripts: non-coding transcript variant (1).
Genome position (GRCh38, 1-based): chr9:95,916,231, G>A. VCF-style: chr9-95916231-G-A. GRCh37 (hg19) VCF-style: chr9-98678513-G-A.
Other names: c.955G>A, p.Val319Met (NM_001010895.4, NM_001375291.1, NM_001375292.1 and 2 more transcripts); short protein forms V319M.
Identifiers: ClinVar variation 4019323 (VCV004019323.1).

ClinVar aggregate classification (germline): Uncertain significance (1 of 4 stars; one submission).

Conditions:
Inborn genetic diseases. Identifiers: MedGen C0950123, MeSH D030342.

gnomAD v4.1: 3 of 1,613,990 alleles (0.00019%); highest among the groups gnomAD compares: East Asian, 0.0067%; no homozygotes.

Submission:

Ambry Genetics
Classification: Uncertain significance for Inborn genetic diseases. Last evaluated: 2025-04-20. Review status: criteria provided, single submitter. Criteria: Ambry Variant Classification Scheme 2023. Collection method: clinical testing. Allele origin: germline.
Comment: The p.V319M variant (also known as c.955G>A), located in coding exon 6 of the ERCC6L2 gene, results from a G to A substitution at nucleotide position 955. The valine at codon 319 is replaced by methionine, an amino acid with highly similar properties. This amino acid position is conserved. In addition, the in silico prediction for this alteration is inconclusive. Based on the available evidence, the clinical significance of this variant remains unclear.